The following is an entry in ClinVar:

ClinVar aggregate classification (germline): Pathogenic (1 of 4 stars; one submission).

Conditions:
Actin accumulation myopathy (CMYO2A). Also called: CONGENITAL MYOPATHY 2A, TYPICAL, AUTOSOMAL DOMINANT; Myopathy, actin, congenital, with cores; Nemaline myopathy 3, with intranuclear rods; Nemaline myopathy type 3; Myopathy, actin, congenital, with excess of thin myofilaments. Identifiers: Orphanet 98904, MedGen C3711389, MONDO:0008070, OMIM 161800.

Submission:

Labcorp Genetics (formerly Invitae), Labcorp
Classification: Pathogenic for Actin accumulation myopathy. Last evaluated: 2026-01-19. Review status: criteria provided, single submitter. Criteria: Invitae Variant Classification Sherloc (09022015). Collection method: clinical testing. Allele origin: germline.
Comment: This sequence change replaces glycine, which is neutral and non-polar, with aspartic acid, which is acidic and polar, at codon 17 of the ACTA1 protein (p.Gly17Asp). This variant is not present in population databases (gnomAD no frequency). This missense change has been observed in individual(s) with autosomal dominant ACTA1-related conditions (PMID: 20621480). In at least one individual the variant was observed to be de novo. This variant is also known as p.Gly15Asp. ClinVar contains an entry for this variant (Variation ID: 2203001). Invitae Evidence Modeling of protein sequence and biophysical properties (such as structural, functional, and spatial information, amino acid conservation, physicochemical variation, residue mobility, and thermodynamic stability) indicates that this missense variant is not expected to disrupt ACTA1 protein function with a negative predictive value of 80%. This variant disrupts the p.Gly17 amino acid residue in ACTA1. Other variant(s) that disrupt this residue have been determined to be pathogenic (PMID: 29274205; internal data). This suggests that this residue is clinically significant, and that variants that disrupt this residue are likely to be disease-causing. For these reasons, this variant has been classified as Pathogenic.

Literature cited by the submitters: PubMed 20621480; PubMed 29274205.

NM_001100.4(ACTA1):c.50G>A (p.Gly17Asp)

Gene: ACTA1 (actin alpha 1, skeletal muscle; minus strand). Cytogenetic location: 1q42.13.
Variant type: single nucleotide variant.
Coding change: c.50G>A on transcript NM_001100.4 (MANE Select); coding-DNA position 50, G replaced by A.
Protein change: p.Gly17Asp; replaces glycine 17 with aspartic acid.
Molecular consequence: missense variant.
Genome position (GRCh38, 1-based): chr1:229,433,066, C>T on the plus strand (G>A on the coding strand, the complement: ACTA1 is on the minus strand). VCF-style: chr1-229433066-C-T. GRCh37 (hg19) VCF-style: chr1-229568813-C-T.
Other names: short protein forms G17D.
Identifiers: ClinVar variation 2203001 (VCV002203001.4), dbSNP rs2527440117, ClinGen allele CA345151644.
Genomic context (GRCh38, chr1:229,433,066, plus strand): 5'-ACGATGGACGGGAACACGGCCCTAGGGGCGTCATCCCCGGCGAAGCCGGCTTTCACCAGG[C>T]CGGAGCCATTGTCGCACACGAGGGCGGTGGTCTCGTCTTCGTCGCACATTGTGTCTAGTT-3'
Protein context (NP_001091.1, residues 7-27): TTALVCDNGS[Gly17Asp]LVKAGFAGDD